The following is an entry in ClinVar:

NM_002471.4(MYH6):c.584T>C (p.Phe195Ser)

Genes: MYH6 (myosin heavy chain 6; minus strand), LOC114827851 (VISTA enhancer hs2155; plus strand). Cytogenetic location: 14q11.2.
Variant type: single nucleotide variant.
Coding change: c.584T>C on transcript NM_002471.4 (MANE Select); coding-DNA position 584, T replaced by C.
Protein change: p.Phe195Ser; replaces phenylalanine 195 with serine.
Molecular consequence: missense variant.
Genome position (GRCh38, 1-based): chr14:23,404,769, A>G on the plus strand (T>C on the coding strand, the complement: MYH6 is on the minus strand). VCF-style: chr14-23404769-A-G. GRCh37 (hg19) VCF-style: chr14-23873978-A-G.
Other names: short protein forms F195S.
Identifiers: ClinVar variation 4860570 (VCV004860570.1).

ClinVar aggregate classification (germline): Uncertain significance (1 of 4 stars; one submission).

Conditions:
Cardiovascular phenotype. Identifiers: MedGen CN230736.

Submission:

Ambry Genetics
Classification: Uncertain significance for Cardiovascular phenotype. Last evaluated: 2026-05-17. Review status: criteria provided, single submitter. Criteria: Ambry Variant Classification Scheme 2023. Collection method: clinical testing. Allele origin: germline.
Comment: The p.F195S variant (also known as c.584T>C), located in coding exon 5 of the MYH6 gene, results from a T to C substitution at nucleotide position 584. The phenylalanine at codon 195 is replaced by serine, an amino acid with highly dissimilar properties. This amino acid position is conserved. In addition, this alteration is predicted to be deleterious by in silico analysis. Based on the available evidence, the clinical significance of this variant remains unclear.